The following is an entry in ClinVar:

NM_153676.4(USH1C):c.496+28T>C

Gene: USH1C (USH1 protein network component harmonin; minus strand). Cytogenetic location: 11p15.1.
Variant type: single nucleotide variant.
Coding change: c.496+28T>C on transcript NM_153676.4 (MANE Select); 28 bases into the intron after coding-DNA position 496, T replaced by C.
Molecular consequence: intron variant.
Genome position (GRCh38, 1-based): chr11:17,527,195, A>G on the plus strand (T>C on the coding strand, the complement: USH1C is on the minus strand). VCF-style: chr11-17527195-A-G. GRCh37 (hg19) VCF-style: chr11-17548742-A-G.
Other names: c.496+28T>C (NM_001297764.2, NM_001440687.1, NM_001440681.1 and 5 more transcripts); c.529+28T>C (NM_001440686.1, NM_001440684.1, NM_001440679.1).
Identifiers: ClinVar variation 4983931 (VCV004983931.1).

ClinVar aggregate classification (germline): Likely benign (1 of 4 stars; one submission).

Conditions:
USH1C-related disorder. Also called: USH1C-related condition.

Submission:

PreventionGenetics, part of Exact Sciences
Classification: Likely benign for USH1C-related condition. Last evaluated: 2024-12-31. Review status: criteria provided, single submitter. Criteria: ACMG Guidelines, 2015. Collection method: clinical testing. Allele origin: germline.
Comment: This variant is classified as likely benign based on ACMG/AMP sequence variant interpretation guidelines (Richards et al. 2015 PMID: 25741868, with internal and published modifications).